The following is an entry in ClinVar:

NM_003742.4(ABCB11):c.141_146delinsGCTTCTAAC (p.Phe47_Gln49delinsLeuLeuLeuThr)

Gene: ABCB11 (ATP binding cassette subfamily B member 11; minus strand). Cytogenetic location: 2q31.1.
Variant type: Indel.
Coding change: c.141_146delinsGCTTCTAAC on transcript NM_003742.4 (MANE Select); coding-DNA positions 141 to 146, CTTTCA replaced by GCTTCTAAC.
Protein change: p.Phe47_Gln49delinsLeuLeuLeuThr.
Molecular consequence: inframe indel.
Genome position (GRCh38, 1-based): chr2:169,014,307-169,014,312, TGAAAG replaced by GTTAGAAGC on the plus strand (CTTTCA replaced by GCTTCTAAC on the coding strand, the reverse complement: ABCB11 is on the minus strand). VCF-style: chr2-169014307-TGAAAG-GTTAGAAGC. GRCh37 (hg19) VCF-style: chr2-169870817-TGAAAG-GTTAGAAGC.
Identifiers: ClinVar variation 4845995 (VCV004845995.1).

ClinVar aggregate classification (germline): Uncertain significance (1 of 4 stars; one submission).

Conditions:
Familial intrahepatic cholestasis. Identifiers: Orphanet 284385, MedGen CN296401, MONDO:0017290.

Submission:

Genomenon, Inc
Classification: Uncertain significance for Familial intrahepatic cholestasis. Last evaluated: 2026-04-14. Review status: criteria provided, single submitter. Criteria: Genomenon Sequence Variant Interpretation Standards - Updated. Collection method: curation. Allele origin: germline. Affected: yes.
Comment: ABCB11 p.Phe47_Gln49delinsLeuLeuLeuThr (c.141_146delinsGCTTCTAAC) is an in-frame deletion-insertion variant that deletes multiple amino acids, from Phenylalanine at position 47 to Glutamine at position 49, and replaces them with Leucine, Leucine, Leucine, and Threonine. This variant has been observed in at least one proband with an ABCB11-related disorder (PMID:32808743). It has been observed in trans with a pathogenic or likely pathogenic variant (PMID:32808743). It is absent or not present at a significant frequency in gnomAD. In conclusion, we classify ABCB11 p.Phe47_Gln49delinsLeuLeuLeuThr (c.141_146delinsGCTTCTAAC) as a variant of uncertain significance.

Literature cited by the submitters: PubMed 32808743.